The following is an entry in ClinVar:

ClinVar aggregate classification (germline): Uncertain significance (1 of 4 stars; one submission).

gnomAD v4.1: 7 of 1,613,878 alleles (0.00043%); highest among the groups gnomAD compares: African/African-American, 0.0013%; no homozygotes.

Submission:

Labcorp Genetics (formerly Invitae), Labcorp
Classification: Uncertain significance. Last evaluated: 2025-04-11. Review status: criteria provided, single submitter. Criteria: Invitae Variant Classification Sherloc (09022015). Collection method: clinical testing. Allele origin: germline.
Comment: This sequence change replaces arginine, which is basic and polar, with cysteine, which is neutral and slightly polar, at codon 196 of the ERBB4 protein (p.Arg196Cys). This variant is present in population databases (rs769311799, gnomAD 0.0009%). This missense change has been observed in individual(s) with amyotrophic lateral sclerosis (PMID: 35896380). Invitae Evidence Modeling of protein sequence and biophysical properties (such as structural, functional, and spatial information, amino acid conservation, physicochemical variation, residue mobility, and thermodynamic stability) indicates that this missense variant is not expected to disrupt ERBB4 protein function with a negative predictive value of 80%. In summary, the available evidence is currently insufficient to determine the role of this variant in disease. Therefore, it has been classified as a Variant of Uncertain Significance.

Literature cited by the submitters: PubMed 35896380.

NM_005235.3(ERBB4):c.586C>T (p.Arg196Cys)

Gene: ERBB4 (erb-b2 receptor tyrosine kinase 4; minus strand). Cytogenetic location: 2q34.
Variant type: single nucleotide variant.
Coding change: c.586C>T on transcript NM_005235.3 (MANE Select); coding-DNA position 586, C replaced by T.
Protein change: p.Arg196Cys; replaces arginine 196 with cysteine.
Molecular consequence: missense variant.
Genome position (GRCh38, 1-based): chr2:211,750,675, G>A on the plus strand (C>T on the coding strand, the complement: ERBB4 is on the minus strand). VCF-style: chr2-211750675-G-A. GRCh37 (hg19) VCF-style: chr2-212615400-G-A.
Other names: c.586C>T, p.Arg196Cys (NM_001042599.2, NM_001439005.1, NM_001439006.1); short protein forms R196C.
Identifiers: ClinVar variation 4770717 (VCV004770717.1).